The following is an entry in ClinVar:

NM_000059.4(BRCA2):c.5525del (p.Pro1842fs)

Gene: BRCA2 (BRCA2 DNA repair associated; plus strand). Cytogenetic location: 13q13.1.
Variant type: Deletion.
Coding change: c.5525del on transcript NM_000059.4 (MANE Select); coding-DNA position 5525, one base deleted (C; older notation c.5525delC).
Protein change: p.Pro1842fs; shifts the reading frame from proline 1842.
Molecular consequence: frameshift variant.
Genome position (GRCh38, 1-based): chr13:32,339,880, C deleted; the last of 2 consecutive C bases (chr13:32,339,879-32,339,880); deleting either gives the same sequence. VCF-style (leftmost placement, unchanged base first): chr13-32339878-AC-A. GRCh37 (hg19) VCF-style: chr13-32914015-AC-A.
Other names: c.5525delC (NM_000059.3); short protein forms P1842fs.
Identifiers: ClinVar variation 574641 (VCV000574641.7), dbSNP rs1566232608, ClinGen allele CA891844237.

ClinVar aggregate classification (germline): Pathogenic (1 of 4 stars; one submission).

Conditions:
Hereditary breast ovarian cancer syndrome. Also called: BRCA1- and BRCA2-Associated Hereditary Breast and Ovarian Cancer; Hereditary breast and ovarian cancer; Hereditary breast and/or ovarian cancer syndrome; Hereditary breast and ovarian cancer syndrome; Hereditary breast and ovarian cancer syndrome (HBOC); Breast and ovarian cancer. Identifiers: Orphanet 145, MedGen C0677776, MeSH D061325, MONDO:0003582. Disease mechanism: loss of function.

Submission:

Labcorp Genetics (formerly Invitae), Labcorp
Classification: Pathogenic for Hereditary breast ovarian cancer syndrome. Last evaluated: 2022-02-10. Review status: criteria provided, single submitter. Criteria: Invitae Variant Classification Sherloc (09022015). Collection method: clinical testing. Allele origin: germline.
Comment: For these reasons, this variant has been classified as Pathogenic. ClinVar contains an entry for this variant (Variation ID: 574641). This variant has not been reported in the literature in individuals affected with BRCA2-related conditions. This variant is not present in population databases (gnomAD no frequency). This sequence change creates a premature translational stop signal (p.Pro1842Leufs*5) in the BRCA2 gene. It is expected to result in an absent or disrupted protein product. Loss-of-function variants in BRCA2 are known to be pathogenic (PMID: 20104584).

Literature cited by the submitters: PubMed 20104584.